The following is an entry in ClinVar:

ClinVar aggregate classification (germline): Uncertain significance (1 of 4 stars; one submission).

Conditions:
Hyperammonemic encephalopathy due to carbonic anhydrase VA deficiency. Also called: Carbonic Anhydrase VA Deficiency; Carbonic anhydrase VA deficiency, hyperammonemia due to. Identifiers: Orphanet 401948, MedGen C4706871, MONDO:0014332, OMIM 615751.

Submission:

Labcorp Genetics (formerly Invitae), Labcorp
Classification: Uncertain significance for Hyperammonemic encephalopathy due to carbonic anhydrase VA deficiency. Last evaluated: 2025-08-11. Review status: criteria provided, single submitter. Criteria: Invitae Variant Classification Sherloc (09022015). Collection method: clinical testing. Allele origin: germline.
Comment: This sequence change replaces glutamine, which is neutral and polar, with arginine, which is basic and polar, at codon 70 of the CA5A protein (p.Gln70Arg). This variant is not present in population databases (gnomAD no frequency). This variant has not been reported in the literature in individuals affected with CA5A-related conditions. Invitae Evidence Modeling of protein sequence and biophysical properties (such as structural, functional, and spatial information, amino acid conservation, physicochemical variation, residue mobility, and thermodynamic stability) indicates that this missense variant is not expected to disrupt CA5A protein function with a negative predictive value of 80%. In summary, the available evidence is currently insufficient to determine the role of this variant in disease. Therefore, it has been classified as a Variant of Uncertain Significance.

NM_001739.2(CA5A):c.209A>G (p.Gln70Arg)

Gene: CA5A (carbonic anhydrase 5A; minus strand). Cytogenetic location: 16q24.2.
Variant type: single nucleotide variant.
Coding change: c.209A>G on transcript NM_001739.2 (MANE Select); coding-DNA position 209, A replaced by G.
Protein change: p.Gln70Arg; replaces glutamine 70 with arginine.
Molecular consequence: missense variant. On other transcripts: non-coding transcript variant (2).
Genome position (GRCh38, 1-based): chr16:87,926,879, T>C on the plus strand (A>G on the coding strand, the complement: CA5A is on the minus strand). VCF-style: chr16-87926879-T-C. GRCh37 (hg19) VCF-style: chr16-87960485-T-C.
Other names: c.209A>G, p.Gln70Arg (NM_001367225.1); short protein forms Q70R.
Identifiers: ClinVar variation 4742009 (VCV004742009.1).